The following is an entry in ClinVar:

NM_001378969.1(KCND3):c.1766+260T>C

Gene: KCND3 (potassium voltage-gated channel subfamily D member 3; minus strand). Cytogenetic location: 1p13.2.
Variant type: single nucleotide variant.
Coding change: c.1766+260T>C on transcript NM_001378969.1 (MANE Select); 260 bases into the intron after coding-DNA position 1766, T replaced by C.
Molecular consequence: intron variant.
Genome position (GRCh38, 1-based): chr1:111,776,766, A>G on the plus strand (T>C on the coding strand, the complement: KCND3 is on the minus strand). VCF-style: chr1-111776766-A-G. GRCh37 (hg19) VCF-style: chr1-112319388-A-G.
Other names: c.1709+260T>C (NM_001378970.1, NM_172198.3); c.1766+260T>C (NM_004980.5).
Identifiers: ClinVar variation 683550 (VCV000683550.1), dbSNP rs45576236, ClinGen allele CA28896651.
Genomic context (GRCh38, chr1:111,776,766, plus strand): 5'-TGGTCCATTCCTTGTACCAGATCAGGTCATTTTTGTGTATCTAGAGACACATTATTTTAT[A>G]TGTATATATATAATTATTTTTAAAGTTTTTTTTTTTCCCTGTTACCTATTTTCAGCCTAA-3'

ClinVar aggregate classification (germline): Benign (1 of 4 stars; one submission).

Allele frequency attached by ClinVar (database versions not stated): 1000 Genomes Project 0.11761; 1000 Genomes Project 30x 0.11961; TOPMed 0.15147; gnomAD 0.16198 and 0.16419.
gnomAD v4.1: 24,633 of 151,834 alleles (16%); highest among the groups gnomAD compares: Non-Finnish European, 20%; 2,169 homozygotes.

Submission:

GeneDx
Classification: Benign. Last evaluated: 2018-06-19. Review status: criteria provided, single submitter. Criteria: GeneDx Variant Classification (06012015). Collection method: clinical testing. Allele origin: germline. Affected: yes.
Comment: This variant is considered likely benign or benign based on one or more of the following criteria: it is a conservative change, it occurs at a poorly conserved position in the protein, it is predicted to be benign by multiple in silico algorithms, and/or has population frequency not consistent with disease.